The following is an entry in ClinVar:

NM_194454.3(KRIT1):c.1487del (p.Asn496fs)

Gene: KRIT1 (KRIT1 ankyrin repeat containing; minus strand). Cytogenetic location: 7q21.2.
Variant type: Deletion.
Coding change: c.1487del on transcript NM_194454.3 (MANE Select); coding-DNA position 1487, one base deleted (A; older notation c.1487delA).
Protein change: p.Asn496fs; shifts the reading frame from asparagine 496.
Molecular consequence: frameshift variant.
Genome position (GRCh38, 1-based): chr7:92,221,978, T deleted on the plus strand (A on the coding strand, the reverse complement: KRIT1 is on the minus strand); the first of 2 consecutive T bases (chr7:92,221,978-92,221,979); deleting either gives the same sequence. VCF-style (leftmost placement, unchanged base first): chr7-92221977-AT-A. GRCh37 (hg19) VCF-style: chr7-91851291-AT-A.
Other names: c.1343del, p.Asn448fs (NM_001013406.2, NM_001350669.1, NM_001350670.1); c.773del, p.Asn258fs (NM_001350671.1); c.1487del, p.Asn496fs (NM_001350672.1, NM_001350673.1, NM_001350674.1 and 26 more transcripts); short protein forms N258fs, N448fs, N496fs.
Identifiers: ClinVar variation 3644021 (VCV003644021.2).

ClinVar aggregate classification (germline): Pathogenic (1 of 4 stars; one submission).

Conditions:
Cerebral cavernous malformation (CCM). Also called: Cavernous Hemangioma of Brain; Cerebral cavernous hemangioma (type); CAVERNOUS ANGIOMA, FAMILIAL; CAVERNOUS ANGIOMATOUS MALFORMATIONS; CEREBRAL CAPILLARY MALFORMATIONS; Cerebral cavernous malformations. Identifiers: Orphanet 221061, MedGen C2919945, MONDO:0000820, OMIM 116860, HP:0033522.

Submission:

Labcorp Genetics (formerly Invitae), Labcorp
Classification: Pathogenic for Cerebral cavernous malformation. Last evaluated: 2024-03-01. Review status: criteria provided, single submitter. Criteria: Invitae Variant Classification Sherloc (09022015). Collection method: clinical testing. Allele origin: germline.
Comment: This sequence change creates a premature translational stop signal (p.Asn496Ilefs*13) in the KRIT1 gene. It is expected to result in an absent or disrupted protein product. Loss-of-function variants in KRIT1 are known to be pathogenic (PMID: 10508515, 11222804, 12404106, 24689081). This variant is not present in population databases (gnomAD no frequency). This variant has not been reported in the literature in individuals affected with KRIT1-related conditions. For these reasons, this variant has been classified as Pathogenic.

Literature cited by the submitters: PubMed 10508515; PubMed 11222804; PubMed 12404106; PubMed 24689081.